The following is an entry in ClinVar:

ClinVar aggregate classification (germline): Uncertain significance (1 of 4 stars; one submission).

Allele frequency attached by ClinVar (database versions not stated): gnomAD exomes below 0.00001; TOPMed below 0.00001.
gnomAD v4.1: 1 of 1,556,724 alleles (0.000064%); highest among the groups gnomAD compares: Non-Finnish European, 0.000087%; no homozygotes.

Submission:

Labcorp Genetics (formerly Invitae), Labcorp
Classification: Uncertain significance. Last evaluated: 2025-06-27. Review status: criteria provided, single submitter. Criteria: Invitae Variant Classification Sherloc (09022015). Collection method: clinical testing. Allele origin: germline.
Comment: This sequence change replaces histidine, which is basic and polar, with proline, which is neutral and non-polar, at codon 40 of the OSTM1 protein (p.His40Pro). This variant is not present in population databases (gnomAD no frequency). This variant has not been reported in the literature in individuals affected with OSTM1-related conditions. ClinVar contains an entry for this variant (Variation ID: 1965529). An algorithm developed to predict the effect of missense changes on protein structure and function outputs the following: PolyPhen-2: "Probably Damaging". The proline amino acid residue is found in multiple mammalian species, which suggests that this missense change does not adversely affect protein function. In summary, the available evidence is currently insufficient to determine the role of this variant in disease. Therefore, it has been classified as a Variant of Uncertain Significance.

NM_014028.4(OSTM1):c.119A>C (p.His40Pro)

Genes: OSTM1 (osteoclastogenesis associated transmembrane protein 1; minus strand), LOC129996933 (ATAC-STARR-seq lymphoblastoid silent region 17446; plus strand). Cytogenetic location: 6q21.
Variant type: single nucleotide variant.
Coding change: c.119A>C on transcript NM_014028.4 (MANE Select); coding-DNA position 119, A replaced by C.
Protein change: p.His40Pro; replaces histidine 40 with proline.
Molecular consequence: missense variant.
Genome position (GRCh38, 1-based): chr6:108,074,533, T>G on the plus strand (A>C on the coding strand, the complement: OSTM1 is on the minus strand). VCF-style: chr6-108074533-T-G. GRCh37 (hg19) VCF-style: chr6-108395737-T-G.
Other names: short protein forms H40P.
Identifiers: ClinVar variation 1965529 (VCV001965529.3), dbSNP rs1772555213, ClinGen allele CA365331318.